The following is an entry in ClinVar:

NM_000540.3(RYR1):c.2095G>A (p.Glu699Lys)

Gene: RYR1 (ryanodine receptor 1; plus strand). Cytogenetic location: 19q13.2.
Variant type: single nucleotide variant.
Coding change: c.2095G>A on transcript NM_000540.3 (MANE Select); coding-DNA position 2095, G replaced by A.
Protein change: p.Glu699Lys; replaces glutamic acid 699 with lysine.
Molecular consequence: missense variant.
Genome position (GRCh38, 1-based): chr19:38,458,220, G>A. VCF-style: chr19-38458220-G-A. GRCh37 (hg19) VCF-style: chr19-38948860-G-A.
Other names: c.2095G>A, p.Glu699Lys (NM_001042723.2); short protein forms E699K.
Identifiers: ClinVar variation 808535 (VCV000808535.18), dbSNP rs553882104, ClinGen allele CA062828.
Genomic context (GRCh38, chr19:38,458,220, plus strand): 5'-ACCCACTTGCGGGTGGGCTGGGCCCTCACCGAGGGCTACACCCCCTACCCTGGGGCCGGC[G>A]AGGGCTGGGGCGGCAACGGGGTCGGCGATGACCTCTATTCCTACGGCTTTGATGGACTGC-3'
Protein context (NP_000531.2, residues 689-709): EGYTPYPGAG[Glu699Lys]GWGGNGVGDD

ClinVar aggregate classification (germline): Uncertain significance. Review status: criteria provided, multiple submitters, no conflicts (2 of 4 stars). 2 submissions from 2 submitters: Uncertain significance (2). Last evaluated 2025-06-23.

Conditions:
RYR1-related disorder. Also called: RYR1-related condition; RYR1-related disorders. Identifiers: MedGen CN239331.
Malignant hyperthermia, susceptibility to, 1 (MHS1). Also called: Malignant hyperthermia suceptibility 1; Anesthesia related hyperthermia; Malignant hyperpyrexia; Fulminating hyperpyrexia; Pharmacogenic myopathy; RYR1-Related Malignant Hyperthermia Susceptibility. Identifiers: Orphanet 423, MedGen C2930980, MONDO:0007783, OMIM 145600.

Allele frequency attached by ClinVar (database versions not stated): gnomAD 0.00001; gnomAD exomes 0.00001; ExAC 0.00002; 1000 Genomes Project 30x 0.00016; 1000 Genomes Project 0.00020.
gnomAD v4.1: 13 of 1,613,974 alleles (0.00081%); highest among the groups gnomAD compares: Admixed American, 0.0033%; no homozygotes.

Submissions (2):

Color Diagnostics, LLC DBA Color Health
Classification: Uncertain significance for Malignant hyperthermia, susceptibility to, 1. Last evaluated: 2025-06-23. Review status: criteria provided, single submitter. Criteria: ACMG Guidelines, 2015. Collection method: clinical testing. Allele origin: germline.
Comment: This missense variant replaces glutamic acid with lysine at codon 699 of the RYR1 protein. Computational prediction suggests that this variant may not impact protein structure and function. To our knowledge, functional studies have not been reported for this variant. This variant has not been reported in individuals affected with RYR1-related disorders in the literature. This variant has been identified in 2/249634 chromosomes in the general population by the Genome Aggregation Database (gnomAD). The available evidence is insufficient to determine the role of this variant in disease conclusively. Therefore, this variant is classified as a Variant of Uncertain Significance.

Labcorp Genetics (formerly Invitae), Labcorp
Classification: Uncertain significance for RYR1-related disorder. Last evaluated: 2021-08-24. Review status: criteria provided, single submitter. Criteria: Invitae Variant Classification Sherloc (09022015). Collection method: clinical testing. Allele origin: germline.
Comment: This sequence change replaces glutamic acid with lysine at codon 699 of the RYR1 protein (p.Glu699Lys). The glutamic acid residue is highly conserved and there is a small physicochemical difference between glutamic acid and lysine. This variant is present in population databases (rs553882104, ExAC 0.003%). This variant has not been reported in the literature in individuals affected with RYR1-related conditions. Algorithms developed to predict the effect of missense changes on protein structure and function are either unavailable or do not agree on the potential impact of this missense change (SIFT: "Deleterious"; PolyPhen-2: "Probably Damaging"; Align-GVGD: "Class C0"). In summary, the available evidence is currently insufficient to determine the role of this variant in disease. Therefore, it has been classified as a Variant of Uncertain Significance.